The following is an entry in ClinVar:

ClinVar aggregate classification (germline): Uncertain significance (1 of 4 stars; one submission).

Conditions:
Hereditary cancer-predisposing syndrome. Also called: Neoplastic Syndromes, Hereditary; Tumor predisposition; Hereditary Cancer Syndrome; Hereditary neoplastic syndrome. Identifiers: Orphanet 140162, MedGen C0027672, MeSH D009386, MONDO:0015356.

Submission:

Ambry Genetics
Classification: Uncertain significance for Hereditary cancer-predisposing syndrome. Last evaluated: 2026-02-20. Review status: criteria provided, single submitter. Criteria: Ambry Variant Classification Scheme 2023. Collection method: clinical testing. Allele origin: germline.
Comment: The p.S671Y variant (also known as c.2012C>A), located in coding exon 15 of the APC gene, results from a C to A substitution at nucleotide position 2012. The serine at codon 671 is replaced by tyrosine, an amino acid with dissimilar properties. This amino acid position is conserved. In addition, in silico predictors for this gene do not accurately predict pathogenicity. Based on the available evidence, the clinical significance of this variant remains unclear.

NM_000038.6(APC):c.2012C>A (p.Ser671Tyr)

Gene: APC (APC regulator of Wnt signaling pathway; plus strand). Cytogenetic location: 5q22.2.
Variant type: single nucleotide variant.
Coding change: c.2012C>A on transcript NM_000038.6 (MANE Select); coding-DNA position 2012, C replaced by A.
Protein change: p.Ser671Tyr; replaces serine 671 with tyrosine.
Molecular consequence: missense variant. On other transcripts: non-coding transcript variant (2).
Genome position (GRCh38, 1-based): chr5:112,837,606, C>A. VCF-style: chr5-112837606-C-A. GRCh37 (hg19) VCF-style: chr5-112173303-C-A.
Other names: c.2012C>A, p.Ser671Tyr (NM_001127510.3, NM_001354895.2, NM_001407450.1); c.1958C>A, p.Ser653Tyr (NM_001127511.3); c.2066C>A, p.Ser689Tyr (NM_001354896.2, NM_001407447.1, NM_001407448.1 and 1 more transcripts); c.2042C>A, p.Ser681Tyr (NM_001354897.2); c.1937C>A, p.Ser646Tyr (NM_001354898.2); c.1928C>A, p.Ser643Tyr (NM_001354899.2); c.1889C>A, p.Ser630Tyr (NM_001354900.2); c.1835C>A, p.Ser612Tyr (NM_001354901.2, NM_001407453.1); and 11 more; short protein forms S287Y, S511Y, S612Y, S661Y, S664Y, S671Y, S689Y, S545Y.
Identifiers: ClinVar variation 4837780 (VCV004837780.1).
Genomic context (GRCh38, chr5:112,837,606, plus strand): 5'-ATTTCAGGCAAATCCTAAGAGAGAACAACTGTCTACAAACTTTATTACAACACTTAAAAT[C>A]TCATAGTTTGACAATAGTCAGTAATGCATGTGGAACTTTGTGGAATCTCTCAGCAAGAAA-3'
Protein context (NP_000029.2, residues 661-681): CLQTLLQHLK[Ser671Tyr]HSLTIVSNAC